The following is an entry in ClinVar:

ClinVar aggregate classification (germline): Conflicting classifications of pathogenicity. Review status: criteria provided, conflicting classifications (1 of 4 stars). 8 submissions from 7 submitters: Uncertain significance (6); Likely benign (1). 1 of the submissions does not count toward it. Last evaluated 2026-01-05.

Conditions:
Retinal dystrophy. Also called: Inherited retinal dystrophy. Identifiers: Orphanet 71862, MedGen C0854723, MeSH D058499, MONDO:0019118, HP:0000556.
Usher syndrome type 2A. Also called: USHER SYNDROME, TYPE IIA; RETINAL DISEASE IN USHER SYNDROME TYPE IIA, MODIFIER OF. Identifiers: Orphanet 231178, Orphanet 886, MedGen C1848634, MONDO:0010169, OMIM 276901.
Retinitis pigmentosa (RP). Identifiers: Orphanet 791, MedGen C0035334, MeSH D012174, MONDO:0019200, OMIM 268000. Inheritance: Autosomal dominant, autosomal recessive and X linked inheritance.
Retinitis pigmentosa 39 (RP39). Identifiers: Orphanet 791, MedGen C3151138, MONDO:0013436, OMIM 613809.

Allele frequency attached by ClinVar (database versions not stated): TOPMed 0.00002; ExAC 0.00004; gnomAD exomes 0.00005.
gnomAD v4.1: 151 of 1,613,182 alleles (0.0094%); highest among the groups gnomAD compares: East Asian, 0.23%; no homozygotes.

Submissions (8):

Labcorp Genetics (formerly Invitae), Labcorp
Classification: Uncertain significance. Last evaluated: 2026-01-05. Review status: criteria provided, single submitter. Criteria: Invitae Variant Classification Sherloc (09022015). Collection method: clinical testing. Allele origin: germline.
Comment: This sequence change replaces arginine, which is basic and polar, with histidine, which is basic and polar, at codon 449 of the USH2A protein (p.Arg449His). This variant is present in population databases (rs766715882, gnomAD 0.02%). This missense change has been observed in individual(s) with autosomal recessive hearing loss (PMID: 24164807). It has also been observed to segregate with disease in related individuals. ClinVar contains an entry for this variant (Variation ID: 631593). Invitae Evidence Modeling of protein sequence and biophysical properties (such as structural, functional, and spatial information, amino acid conservation, physicochemical variation, residue mobility, and thermodynamic stability) indicates that this missense variant is not expected to disrupt USH2A protein function with a negative predictive value of 95%. In summary, the available evidence is currently insufficient to determine the role of this variant in disease. Therefore, it has been classified as a Variant of Uncertain Significance.

GeneDx
Classification: Uncertain significance. Last evaluated: 2024-10-21. Review status: criteria provided, single submitter. Criteria: GeneDx Variant Classification Process June 2021. Collection method: clinical testing. Allele origin: germline. Affected: yes.
Comment: Observed with a variant on the opposite allele (in trans) in siblings with bilateral hearing loss in published literature (PMID: 24164807); In silico analysis indicates that this missense variant does not alter protein structure/function; This variant is associated with the following publications: (PMID: 24164807)

Blueprint Genetics
Classification: Uncertain significance. Last evaluated: 2024-07-10. Review status: criteria provided, single submitter. Criteria: ACMG Guidelines, 2015. Collection method: clinical testing. Allele origin: germline.

Genome-Nilou Lab
Classification: Uncertain significance for Retinitis pigmentosa 39. Last evaluated: 2023-11-04. Review status: criteria provided, single submitter. Criteria: ACMG Guidelines, 2015. Collection method: clinical testing. Allele origin: germline. Affected: no.

Genome-Nilou Lab
Classification: Uncertain significance for Usher syndrome type 2A. Last evaluated: 2023-11-04. Review status: criteria provided, single submitter. Criteria: ACMG Guidelines, 2015. Collection method: clinical testing. Allele origin: germline. Affected: no.

Dept Of Ophthalmology, Nagoya University
Classification: Likely benign for Retinal dystrophy. Last evaluated: 2023-10-01. Review status: criteria provided, single submitter. Criteria: Submitter's publication. Collection method: research. Allele origin: germline. Affected: yes.

Illumina Laboratory Services, Illumina
Classification: Uncertain significance for Retinitis pigmentosa. Last evaluated: 2017-04-28. Review status: criteria provided, single submitter. Criteria: ICSL Variant Classification Criteria 13 December 2019. Collection method: clinical testing. Allele origin: germline.

Natera, Inc.
Classification: Uncertain significance for Usher syndrome type 2A. Last evaluated: 2020-01-26. Review status: no assertion criteria provided. Collection method: clinical testing. Allele origin: germline. Not counted in ClinVar's aggregate classification.

Literature cited by the submitters: PubMed 24164807 (cited by Labcorp Genetics (formerly Invitae), Labcorp).

NM_206933.4(USH2A):c.1346G>A (p.Arg449His)

Gene: USH2A (usherin; minus strand). Cytogenetic location: 1q41.
Variant type: single nucleotide variant.
Coding change: c.1346G>A on transcript NM_206933.4 (MANE Select); coding-DNA position 1346, G replaced by A.
Protein change: p.Arg449His; replaces arginine 449 with histidine.
Molecular consequence: missense variant.
Genome position (GRCh38, 1-based): chr1:216,323,678, C>T on the plus strand (G>A on the coding strand, the complement: USH2A is on the minus strand). VCF-style: chr1-216323678-C-T. GRCh37 (hg19) VCF-style: chr1-216497020-C-T.
Other names: c.1346G>A, p.Arg449His (NM_007123.6); short protein forms R449H.
Identifiers: ClinVar variation 631593 (VCV000631593.18), dbSNP rs766715882, ClinGen allele CA1396540.